The following is an entry in ClinVar:

NM_000426.4(LAMA2):c.8727C>T (p.Cys2909=)

Gene: LAMA2 (laminin subunit alpha 2; plus strand). Cytogenetic location: 6q22.33.
Variant type: single nucleotide variant.
Coding change: c.8727C>T on transcript NM_000426.4 (MANE Select); coding-DNA position 8727, C replaced by T.
Protein change: p.Cys2909=; no amino-acid change (cysteine 2909 retained).
Molecular consequence: synonymous variant.
Genome position (GRCh38, 1-based): chr6:129,507,512, C>T. VCF-style: chr6-129507512-C-T. GRCh37 (hg19) VCF-style: chr6-129828657-C-T.
Other names: c.8715C>T, p.Cys2905= (NM_001079823.2).
Identifiers: ClinVar variation 477519 (VCV000477519.39), dbSNP rs148285711, ClinGen allele CA3994907.

ClinVar aggregate classification (germline): Likely benign. Review status: criteria provided, multiple submitters, no conflicts (2 of 4 stars). 4 submissions from 4 submitters: Likely benign (4). Last evaluated 2024-10-30.

Conditions:
LAMA2-related muscular dystrophy (LAMA2-RD). Also called: Laminin alpha 2-related dystrophy. Identifiers: MedGen C5679788, MONDO:0100228.

Allele frequency attached by ClinVar (database versions not stated): gnomAD exomes 0.00003 and 0.00004; ExAC 0.00004; TOPMed 0.00004; 1000 Genomes Project 30x 0.00016; 1000 Genomes Project 0.00020; ESP Exome Variant Server 0.00023.
gnomAD v4.1: 52 of 1,614,152 alleles (0.0032%); highest among the groups gnomAD compares: Middle Eastern, 0.033%; no homozygotes.

Submissions (4):

Labcorp Genetics (formerly Invitae), Labcorp
Classification: Likely benign for LAMA2-related muscular dystrophy. Last evaluated: 2024-10-30. Review status: criteria provided, single submitter. Criteria: Invitae Variant Classification Sherloc (09022015). Collection method: clinical testing. Allele origin: germline.

CeGaT Center for Human Genetics Tuebingen
Classification: Likely benign. Last evaluated: 2023-07-01. Review status: criteria provided, single submitter. Criteria: CeGaT Center For Human Genetics Tuebingen Variant Classification Criteria Version 2. Collection method: clinical testing. Allele origin: germline. Affected: yes. Observed: 1 variant allele.
Comment: LAMA2: BP4, BP7

Blueprint Genetics
Classification: Likely benign. Last evaluated: 2020-12-18. Review status: criteria provided, single submitter. Criteria: ACMG Guidelines, 2015. Collection method: clinical testing. Allele origin: germline.

GeneDx
Classification: Likely benign. Last evaluated: 2019-04-15. Review status: criteria provided, single submitter. Criteria: GeneDx Variant Classification Process June 2021. Collection method: clinical testing. Allele origin: germline. Affected: yes.